The following is an entry in ClinVar:

NM_019074.4(DLL4):c.782A>G (p.His261Arg)

Gene: DLL4 (delta like canonical Notch ligand 4; plus strand). Cytogenetic location: 15q15.1.
Variant type: single nucleotide variant.
Coding change: c.782A>G on transcript NM_019074.4 (MANE Select); coding-DNA position 782, A replaced by G.
Protein change: p.His261Arg; replaces histidine 261 with arginine.
Molecular consequence: missense variant.
Genome position (GRCh38, 1-based): chr15:40,932,379, A>G. VCF-style: chr15-40932379-A-G. GRCh37 (hg19) VCF-style: chr15-41224577-A-G.
Other names: c.782A>G (NM_019074.3); short protein forms H261R.
Identifiers: ClinVar variation 1903325 (VCV001903325.6), dbSNP rs780517390, ClinGen allele CA7487771.

ClinVar aggregate classification (germline): Uncertain significance. Review status: criteria provided, multiple submitters, no conflicts (2 of 4 stars). 2 submissions from 2 submitters: Uncertain significance (2). Last evaluated 2025-08-30.

Conditions:
Inborn genetic diseases. Identifiers: MedGen C0950123, MeSH D030342.

Allele frequency attached by ClinVar (database versions not stated): gnomAD 0.00002; gnomAD exomes 0.00002; TOPMed 0.00002; ExAC 0.00003.
gnomAD v4.1: 42 of 1,613,854 alleles (0.0026%); highest among the groups gnomAD compares: Non-Finnish European, 0.0032%; no homozygotes.

Submissions (2):

Ambry Genetics
Classification: Uncertain significance for Inborn genetic diseases. Last evaluated: 2025-08-30. Review status: criteria provided, single submitter. Criteria: Ambry Variant Classification Scheme 2023. Collection method: clinical testing. Allele origin: germline.

Labcorp Genetics (formerly Invitae), Labcorp
Classification: Uncertain significance. Last evaluated: 2025-06-04. Review status: criteria provided, single submitter. Criteria: Invitae Variant Classification Sherloc (09022015). Collection method: clinical testing. Allele origin: germline.
Comment: This sequence change replaces histidine, which is basic and polar, with arginine, which is basic and polar, at codon 261 of the DLL4 protein (p.His261Arg). This variant is present in population databases (rs780517390, gnomAD 0.006%). This variant has not been reported in the literature in individuals affected with DLL4-related conditions. ClinVar contains an entry for this variant (Variation ID: 1903325). Invitae Evidence Modeling of protein sequence and biophysical properties (such as structural, functional, and spatial information, amino acid conservation, physicochemical variation, residue mobility, and thermodynamic stability) indicates that this missense variant is not expected to disrupt DLL4 protein function with a negative predictive value of 80%. In summary, the available evidence is currently insufficient to determine the role of this variant in disease. Therefore, it has been classified as a Variant of Uncertain Significance.